The following is an entry in ClinVar:

ClinVar aggregate classification (germline): Uncertain significance (1 of 4 stars; one submission).

Conditions:
Osteogenesis imperfecta type I (OI1). Also called: Lobstein disease; Osteogenesis imperfecta type 1; Classic Non-deforming Osteogenesis Imperfecta with Blue Sclerae; OI, TYPE I; OSTEOGENESIS IMPERFECTA TARDA; OSTEOGENESIS IMPERFECTA WITH BLUE SCLERAE. Identifiers: Orphanet 216796, Orphanet 666, MedGen C0023931, MONDO:0008146, OMIM 166200. Disease mechanism: loss of function.

Submission:

Labcorp Genetics (formerly Invitae), Labcorp
Classification: Uncertain significance for Osteogenesis imperfecta type I. Last evaluated: 2020-03-20. Review status: criteria provided, single submitter. Criteria: Invitae Variant Classification Sherloc (09022015). Collection method: clinical testing. Allele origin: germline.
Comment: In summary, the available evidence is currently insufficient to determine the role of this variant in disease. Therefore, it has been classified as a Variant of Uncertain Significance. Algorithms developed to predict the effect of missense changes on protein structure and function are either unavailable or do not agree on the potential impact of this missense change (SIFT: "Tolerated"; PolyPhen-2: "Not Available"; Align-GVGD: "Class C0"). This variant has not been reported in the literature in individuals with COL1A1-related conditions. This variant is not present in population databases (ExAC no frequency). This sequence change replaces glutamic acid with aspartic acid at codon 364 of the COL1A1 protein (p.Glu364Asp). The glutamic acid residue is highly conserved and there is a small physicochemical difference between glutamic acid and aspartic acid.

NM_000088.4(COL1A1):c.1092A>C (p.Glu364Asp)

Gene: COL1A1 (collagen type I alpha 1 chain; minus strand). Cytogenetic location: 17q21.33.
Variant type: single nucleotide variant.
Coding change: c.1092A>C on transcript NM_000088.4 (MANE Select); coding-DNA position 1092, A replaced by C.
Protein change: p.Glu364Asp; replaces glutamic acid 364 with aspartic acid.
Molecular consequence: missense variant.
Genome position (GRCh38, 1-based): chr17:50,195,630, T>G on the plus strand (A>C on the coding strand, the complement: COL1A1 is on the minus strand). VCF-style: chr17-50195630-T-G. GRCh37 (hg19) VCF-style: chr17-48272991-T-G.
Other names: short protein forms E364D.
Identifiers: ClinVar variation 1006974 (VCV001006974.9), dbSNP rs1907515907, ClinGen allele CA400220043.